The following is an entry in ClinVar:

NM_000053.4(ATP7B):c.217G>A (p.Val73Met)

Gene: ATP7B (ATPase copper transporting beta; minus strand). Cytogenetic location: 13q14.3.
Variant type: single nucleotide variant.
Coding change: c.217G>A on transcript NM_000053.4 (MANE Select); coding-DNA position 217, G replaced by A.
Protein change: p.Val73Met; replaces valine 73 with methionine.
Molecular consequence: missense variant.
Genome position (GRCh38, 1-based): chr13:51,975,003, C>T on the plus strand (G>A on the coding strand, the complement: ATP7B is on the minus strand). VCF-style: chr13-51975003-C-T. GRCh37 (hg19) VCF-style: chr13-52549139-C-T.
Other names: c.121G>A, p.Val41Met (NM_001406530.1, NM_001406536.1, NM_001406539.1 and 4 more transcripts); c.217G>A, p.Val73Met (NM_001406531.1, NM_001406532.1, NM_001406534.1 and 30 more transcripts); short protein forms V41M, V73M.
Identifiers: ClinVar variation 3385862 (VCV003385862.2).
Genomic context (GRCh38, chr13:51,975,003, plus strand): 5'-GGGAAACCTTCATGCTGATGATGCCTTTCAAATTGGAAATCCTGTCCTCAATGGACTTCA[C>T]ACATGACTGGCAAGTCATGCCCAAGATCCTGACTGTGCTGGTGGCCACCTGAGAAGAAGG-3'
Protein context (NP_000044.2, residues 63-83): RILGMTCQSC[Val73Met]KSIEDRISNL

ClinVar aggregate classification (germline): Uncertain significance. Review status: criteria provided, multiple submitters, no conflicts (2 of 4 stars). 2 submissions from 2 submitters: Uncertain significance (2). Last evaluated 2024-04-26.

Conditions:
Wilson disease (WND). Also called: Wilson's disease. Identifiers: Orphanet 905, MedGen C0019202, MONDO:0010200, OMIM 277900. Disease mechanism: loss of function.

gnomAD v4.1: 1 of 1,614,216 alleles (0.000062%); highest among the groups gnomAD compares: Non-Finnish European, 0.000085%; no homozygotes.

Submissions (2):

Fulgent Genetics
Classification: Uncertain significance for Wilson disease. Last evaluated: 2024-04-26. Review status: criteria provided, single submitter. Criteria: ACMG Guidelines, 2015. Collection method: clinical testing. Allele origin: germline.

All of Us Research Program, National Institutes of Health
Classification: Uncertain significance for Wilson disease. Last evaluated: 2024-04-16. Review status: criteria provided, single submitter. Criteria: ACMG Guidelines, 2015. Collection method: clinical testing. Allele origin: germline. Inheritance: Autosomal recessive inheritance. Observed: 1 variant allele, 1 heterozygote.
Comment: This missense variant replaces valine with methionine at codon 73 of the ATP7B protein. Computational prediction is inconclusive regarding the impact of this variant on protein structure and function (internally defined REVEL score threshold 0.5 < inconclusive < 0.7, PMID: 27666373). To our knowledge, functional studies have not been reported for this variant. This variant has not been reported in individuals affected with ATP7B-related disorders in the literature. This variant has not been identified in the general population by the Genome Aggregation Database (gnomAD). The available evidence is insufficient to determine the role of this variant in disease conclusively. Therefore, this variant is classified as a Variant of Uncertain Significance.

This study involves interpretation of variants in research participants for the purpose of population health screening. Participant phenotype was not available at the time of variant classification. Additional details can be found in publication PMID: 35346344, PMCID: PMC8962531